The following is an entry in ClinVar:

NM_006231.4(POLE):c.4115T>C (p.Val1372Ala)

Gene: POLE (DNA polymerase epsilon, catalytic subunit; minus strand). Cytogenetic location: 12q24.33.
Variant type: single nucleotide variant.
Coding change: c.4115T>C on transcript NM_006231.4 (MANE Select); coding-DNA position 4115, T replaced by C.
Protein change: p.Val1372Ala; replaces valine 1372 with alanine.
Molecular consequence: missense variant.
Genome position (GRCh38, 1-based): chr12:132,648,963, A>G on the plus strand (T>C on the coding strand, the complement: POLE is on the minus strand). VCF-style: chr12-132648963-A-G. GRCh37 (hg19) VCF-style: chr12-133225549-A-G.
Other names: c.4115T>C (NM_006231.2); short protein forms V1372A.
Identifiers: ClinVar variation 944214 (VCV000944214.10), dbSNP rs2042351042, ClinGen allele CA387383675.
Genomic context (GRCh38, chr12:132,648,963, plus strand): 5'-CAGAGGCAGCACCAGCTCCTCCCTACCTTGCGATACGAAGCACCCTCCTCCGCTTTAGCG[A>G]CTCGCTGGTTCACGTAGAACACACGGGGGATGCTCAGCCTGATGCAGTGCAAGTCACTGC-3'
Protein context (NP_006222.2, residues 1362-1382): IPRVFYVNQR[Val1372Ala]AKAEEGASYR

ClinVar aggregate classification (germline): Conflicting classifications of pathogenicity. Review status: criteria provided, conflicting classifications (1 of 4 stars). 2 submissions from 2 submitters: Uncertain significance (1); Likely benign (1). Last evaluated 2026-02-10.

Conditions:
Hereditary cancer-predisposing syndrome. Also called: Tumor predisposition; Hereditary neoplastic syndrome; Hereditary Cancer Syndrome; Neoplastic Syndromes, Hereditary. Identifiers: Orphanet 140162, MedGen C0027672, MeSH D009386, MONDO:0015356.

Allele frequency attached by ClinVar (database versions not stated): TOPMed below 0.00001.

Submissions (2):

Ambry Genetics
Classification: Likely benign for Hereditary cancer-predisposing syndrome. Last evaluated: 2026-02-10. Review status: criteria provided, single submitter. Criteria: Ambry Variant Classification Scheme 2023. Collection method: clinical testing. Allele origin: germline.

Labcorp Genetics (formerly Invitae), Labcorp
Classification: Uncertain significance. Last evaluated: 2024-01-19. Review status: criteria provided, single submitter. Criteria: Invitae Variant Classification Sherloc (09022015). Collection method: clinical testing. Allele origin: germline.
Comment: This sequence change replaces valine, which is neutral and non-polar, with alanine, which is neutral and non-polar, at codon 1372 of the POLE protein (p.Val1372Ala). This variant is not present in population databases (gnomAD no frequency). This variant has not been reported in the literature in individuals affected with POLE-related conditions. ClinVar contains an entry for this variant (Variation ID: 944214). Advanced modeling of protein sequence and biophysical properties (such as structural, functional, and spatial information, amino acid conservation, physicochemical variation, residue mobility, and thermodynamic stability) performed at Invitae indicates that this missense variant is not expected to disrupt POLE protein function with a negative predictive value of 80%. In summary, the available evidence is currently insufficient to determine the role of this variant in disease. Therefore, it has been classified as a Variant of Uncertain Significance.